The following is an entry in ClinVar:

GRCh38/hg38 2q37.3(chr2:240228628-242126245)x1

Genes: AGXT (alanine--glyoxylate aminotransferase; plus strand), ANKMY1 (ankyrin repeat and MYND domain containing 1; minus strand), ANO7 (anoctamin 7; plus strand), AQP12A (aquaporin 12A; plus strand), AQP12B (aquaporin 12B; minus strand) and 137 more. Cytogenetic location: 2q37.3.
Variant type: copy number loss.
Change: copy number 1 (one copy instead of two) of chr2:240,228,628-242,126,245 (1.90 Mb, GRCh38 coordinates, 1-based), cytogenetic band 2q37.3.
Identifiers: ClinVar variation 151964 (VCV000151964.3).

ClinVar aggregate classification (germline): Uncertain significance (0 of 4 stars; one submission).

Submission:

ISCA site 1
Classification: Uncertain significance. Last evaluated: 2018-02-14. Review status: no assertion criteria provided. Collection method: clinical testing. Allele origin: unknown. Affected: yes. Observed: 1 variant allele.
Comment: Smaller than typical deletion size.

Copy number variation identified through the course of routine clinical cytogenomic testing in postnatal populations, with clinical assertions as classified by the original submitter. For data from the original published study, Kaminsky, et al. 2011 (PubMed 21844811), please see nstd101.